The following is an entry in ClinVar:

Conditions:
Breast-ovarian cancer, familial, susceptibility to, 1 (BROVCA1). Also called: BRCA1 Hereditary Breast and Ovarian Cancer; OVARIAN CANCER, SUSCEPTIBILITY TO. Identifiers: Orphanet 145, MedGen C2676676, MONDO:0011450, OMIM 604370. Disease mechanism: loss of function.

Submission:

Brotman Baty Institute, University of Washington
No classification provided (evidence only). Condition: Breast-ovarian cancer, familial 1. Review status: no classification provided. Collection method: in vitro. Allele origin: not applicable. Functional consequence: functionally_normal.
ClinVar note: "not provided" was previously submitted as the classification for the variant. However, the classification appeared to be based only on an observation of functional data so it was converted to no classification on 2025-07-30.

NM_007294.4(BRCA1):c.5407-10G>T

Gene: BRCA1 (BRCA1 DNA repair associated; minus strand). Cytogenetic location: 17q21.31.
Variant type: single nucleotide variant.
Coding change: c.5407-10G>T on transcript NM_007294.4 (MANE Select); 10 bases into the intron before coding-DNA position 5407, G replaced by T.
Molecular consequence: intron variant.
Genome position (GRCh38, 1-based): chr17:43,047,713, C>A on the plus strand (G>T on the coding strand, the complement: BRCA1 is on the minus strand). VCF-style: chr17-43047713-C-A. GRCh37 (hg19) VCF-style: chr17-41199730-C-A.
Other names: c.1954-10G>T (NM_001408458.1, NM_001408461.1, NM_001408464.1 and 7 more transcripts); c.4516-10G>T (NM_001407967.1); c.5026-10G>T (NM_001407959.1); c.5140-10G>T (NM_001407931.1, NM_001407932.1, NM_001407928.1 and 4 more transcripts); c.5263-10G>T (NM_001407747.1, NM_001407745.1, NM_001407737.1 and 18 more transcripts); c.5023-10G>T (NM_001407962.1, NM_001407960.1); c.1594-10G>T (NM_001408512.1); c.1717-10G>T (NM_001408510.1); and 83 more.
Identifiers: ClinVar variation 868451 (VCV000868451.3), dbSNP rs273901767, ClinGen allele CA916080790.